The following is an entry in ClinVar:

NM_003998.4(NFKB1):c.1285G>A (p.Ala429Thr)

Gene: NFKB1 (nuclear factor kappa B subunit 1; plus strand). Cytogenetic location: 4q24.
Variant type: single nucleotide variant.
Coding change: c.1285G>A on transcript NM_003998.4 (MANE Select); coding-DNA position 1285, G replaced by A.
Protein change: p.Ala429Thr; replaces alanine 429 with threonine.
Molecular consequence: missense variant.
Genome position (GRCh38, 1-based): chr4:102,594,966, G>A. VCF-style: chr4-102594966-G-A. GRCh37 (hg19) VCF-style: chr4-103516123-G-A.
Other names: c.1282G>A, p.Ala428Thr (NM_001165412.2, NM_001319226.2, NM_001382627.1); c.1285G>A, p.Ala429Thr (NM_001382625.1, NM_001382626.1); c.1243G>A, p.Ala415Thr (NM_001382628.1); short protein forms A415T, A428T, A429T.
Identifiers: ClinVar variation 4741051 (VCV004741051.1).
Genomic context (GRCh38, chr4:102,594,966, plus strand): 5'-CACTATGGATTTCCTACTTATGGTGGGATTACTTTCCATCCTGGAACTACTAAATCTAAT[G>A]CTGGGATGAAGCATGGTAAGTAATGCTTTGTTCTTAATACCAAGAAAGGAAAAAAATAAT-3'
Protein context (NP_003989.2, residues 419-439): TFHPGTTKSN[Ala429Thr]GMKHGTMDTE

ClinVar aggregate classification (germline): Uncertain significance (1 of 4 stars; one submission).

gnomAD v4.1: 4 of 1,607,478 alleles (0.00025%); highest among the groups gnomAD compares: South Asian, 0.0011%; no homozygotes.

Submission:

Labcorp Genetics (formerly Invitae), Labcorp
Classification: Uncertain significance. Last evaluated: 2025-09-23. Review status: criteria provided, single submitter. Criteria: Invitae Variant Classification Sherloc (09022015). Collection method: clinical testing. Allele origin: germline.
Comment: This sequence change replaces alanine, which is neutral and non-polar, with threonine, which is neutral and polar, at codon 429 of the NFKB1 protein (p.Ala429Thr). This variant is not present in population databases (gnomAD no frequency). This variant has not been reported in the literature in individuals affected with NFKB1-related conditions. Invitae Evidence Modeling of protein sequence and biophysical properties (such as structural, functional, and spatial information, amino acid conservation, physicochemical variation, residue mobility, and thermodynamic stability) indicates that this missense variant is not expected to disrupt NFKB1 protein function with a negative predictive value of 80%. In summary, the available evidence is currently insufficient to determine the role of this variant in disease. Therefore, it has been classified as a Variant of Uncertain Significance.